The following is an entry in ClinVar:

ClinVar aggregate classification (germline): Uncertain significance (1 of 4 stars; one submission).

Submission:

Labcorp Genetics (formerly Invitae), Labcorp
Classification: Uncertain significance. Last evaluated: 2022-06-14. Review status: criteria provided, single submitter. Criteria: Invitae Variant Classification Sherloc (09022015). Collection method: clinical testing. Allele origin: germline.
Comment: This sequence change replaces aspartic acid, which is acidic and polar, with alanine, which is neutral and non-polar, at codon 702 of the AP3B2 protein (p.Asp702Ala). This variant is not present in population databases (gnomAD no frequency). This variant has not been reported in the literature in individuals affected with AP3B2-related conditions. Algorithms developed to predict the effect of missense changes on protein structure and function are either unavailable or do not agree on the potential impact of this missense change (SIFT: "Tolerated"; PolyPhen-2: "Possibly Damaging"; Align-GVGD: "Class C0"). In summary, the available evidence is currently insufficient to determine the role of this variant in disease. Therefore, it has been classified as a Variant of Uncertain Significance.

NM_001278512.2(AP3B2):c.2162A>C (p.Asp721Ala)

Genes: AP3B2 (adaptor related protein complex 3 subunit beta 2; minus strand), CPEB1-AS1 (CPEB1 antisense RNA 1; plus strand). Cytogenetic location: 15q25.2.
Variant type: single nucleotide variant.
Coding change: c.2162A>C on transcript NM_001278512.2 (MANE Select); coding-DNA position 2162, A replaced by C.
Protein change: p.Asp721Ala; replaces aspartic acid 721 with alanine.
Molecular consequence: missense variant.
Genome position (GRCh38, 1-based): chr15:82,664,466, T>G on the plus strand (A>C on the coding strand, the complement: AP3B2 is on the minus strand). VCF-style: chr15-82664466-T-G. GRCh37 (hg19) VCF-style: chr15-83333218-T-G.
Other names: c.2009A>C, p.Asp670Ala (NM_001278511.2); c.2105A>C, p.Asp702Ala (NM_004644.5); short protein forms D702A, D670A, D721A.
Identifiers: ClinVar variation 2006055 (VCV002006055.4), dbSNP rs2151429027, ClinGen allele CA393312024.